The following is an entry in ClinVar:

NM_001267550.2(TTN):c.19276G>T (p.Val6426Phe)

Gene: TTN (titin; minus strand). Cytogenetic location: 2q31.2.
Variant type: single nucleotide variant.
Coding change: c.19276G>T on transcript NM_001267550.2 (MANE Select); coding-DNA position 19276, G replaced by T.
Protein change: p.Val6426Phe; replaces valine 6426 with phenylalanine.
Molecular consequence: missense variant. On other transcripts: intron variant (3).
Genome position (GRCh38, 1-based): chr2:178,728,650, C>A on the plus strand (G>T on the coding strand, the complement: TTN is on the minus strand). VCF-style: chr2-178728650-C-A. GRCh37 (hg19) VCF-style: chr2-179593377-C-A.
Other names: c.18325G>T, p.Val6109Phe (NM_001256850.1); c.15544G>T, p.Val5182Phe (NM_133378.4); c.13282+9432G>T (NM_003319.4); c.13858+9432G>T (NM_133437.4); c.13657+9432G>T (NM_133432.3); short protein forms V5182F, V6109F, V6426F.
Identifiers: ClinVar variation 928952 (VCV000928952.1), dbSNP rs778339438, ClinGen allele CA349556629.

ClinVar aggregate classification (germline): Uncertain significance (1 of 4 stars; one submission).

gnomAD v4.1: 17 of 1,613,350 alleles (0.0011%); highest among the groups gnomAD compares: Non-Finnish European, 0.0014%; no homozygotes.

Submission:

Women's Health and Genetics/Laboratory Corporation of America, LabCorp
Classification: Uncertain significance. Last evaluated: 2019-08-26. Review status: criteria provided, single submitter. Criteria: LabCorp Variant Classification Summary - May 2015. Collection method: clinical testing. Allele origin: germline.
Comment: Variant summary: TTN c.15544G>T (p.Val5182Phe) results in a non-conservative amino acid change located in the I-band region of the encoded protein sequence. Two of four in-silico tools predict a benign effect of the variant on protein function. The variant was absent in 247904 control chromosomes. The available data on variant occurrences in the general population are insufficient to allow any conclusion about variant significance. To our knowledge, no occurrence of c.15544G>T in individuals affected with Cardiomyopathy and no experimental evidence demonstrating its impact on protein function have been reported. No clinical diagnostic laboratories have submitted clinical-significance assessments for this variant to ClinVar after 2014. Based on the evidence outlined above, the variant was classified as uncertain significance.